The following is an entry in ClinVar:

NM_001620.3(AHNAK):c.16255G>A (p.Asp5419Asn)

Gene: AHNAK (AHNAK nucleoprotein; minus strand). Cytogenetic location: 11q12.3.
Variant type: single nucleotide variant.
Coding change: c.16255G>A on transcript NM_001620.3 (MANE Select); coding-DNA position 16255, G replaced by A.
Protein change: p.Asp5419Asn; replaces aspartic acid 5419 with asparagine.
Molecular consequence: missense variant. On other transcripts: intron variant (1).
Genome position (GRCh38, 1-based): chr11:62,518,162, C>T on the plus strand (G>A on the coding strand, the complement: AHNAK is on the minus strand). VCF-style: chr11-62518162-C-T. GRCh37 (hg19) VCF-style: chr11-62285634-C-T.
Other names: c.16255G>A, p.Asp5419Asn (NM_001346445.2, NM_001346446.2); c.342+16841G>A (NM_024060.4); short protein forms D5419N.
Identifiers: ClinVar variation 3351258 (VCV003351258.1).

ClinVar aggregate classification (germline): Uncertain significance (0 of 4 stars; one submission).

Conditions:
AHNAK-related disorder. Also called: AHNAK-related condition.

gnomAD v4.1: 1,269 of 1,614,148 alleles (0.079%); highest among the groups gnomAD compares: Non-Finnish European, 0.096%; 1 homozygote.

Submission:

PreventionGenetics, part of Exact Sciences
Classification: Uncertain significance for AHNAK-related condition. Last evaluated: 2024-07-10. Review status: no assertion criteria provided. Collection method: clinical testing. Allele origin: germline.
Comment: The AHNAK c.16255G>A variant is predicted to result in the amino acid substitution p.Asp5419Asn. To our knowledge, this variant has not been reported in the literature. This variant is reported in 0.063% of alleles in individuals of European (Non-Finnish) descent in gnomAD. At this time, the clinical significance of this variant is uncertain due to the absence of conclusive functional and genetic evidence.